The following is an entry in ClinVar:

NM_020971.3(SPTBN4):c.1068G>A (p.Thr356=)

Gene: SPTBN4 (spectrin beta, non-erythrocytic 4; plus strand). Cytogenetic location: 19q13.2.
Variant type: single nucleotide variant.
Coding change: c.1068G>A on transcript NM_020971.3 (MANE Select); coding-DNA position 1068, G replaced by A.
Protein change: p.Thr356=; no amino-acid change (threonine 356 retained).
Molecular consequence: synonymous variant.
Genome position (GRCh38, 1-based): chr19:40,502,298, G>A. VCF-style: chr19-40502298-G-A. GRCh37 (hg19) VCF-style: chr19-41008205-G-A.
Identifiers: ClinVar variation 3389208 (VCV003389208.14).

ClinVar aggregate classification (germline): Likely benign (1 of 4 stars; one submission).

gnomAD v4.1: 39 of 1,613,222 alleles (0.0024%); highest among the groups gnomAD compares: South Asian, 0.0033%; no homozygotes.

Submission:

CeGaT Center for Human Genetics Tuebingen
Classification: Likely benign. Last evaluated: 2024-09-01. Review status: criteria provided, single submitter. Criteria: CeGaT Center For Human Genetics Tuebingen Variant Classification Criteria Version 2. Collection method: clinical testing. Allele origin: germline. Affected: yes. Observed: 1 variant allele.
Comment: SPTBN4: BP4, BP7